The following is an entry in ClinVar:

ClinVar aggregate classification (germline): Pathogenic (1 of 4 stars; one submission).

Conditions:
Hereditary insensitivity to pain with anhidrosis (CIPA). Also called: NEUROPATHY, CONGENITAL SENSORY, WITH ANHIDROSIS; FAMILIAL DYSAUTONOMIA, TYPE II; hereditary sensory and autonomic neuropathy type 4; NTRK1 Congenital Insensitivity to Pain with Anhidrosis; INSENSITIVITY TO PAIN, CONGENITAL, WITH ANHIDROSIS; HSAN Type IV. Identifiers: Orphanet 642, MedGen C0020074, MONDO:0009746, OMIM 256800.

Submission:

Labcorp Genetics (formerly Invitae), Labcorp
Classification: Pathogenic for Hereditary insensitivity to pain with anhidrosis. Last evaluated: 2022-05-14. Review status: criteria provided, single submitter. Criteria: Invitae Variant Classification Sherloc (09022015). Collection method: clinical testing. Allele origin: germline.
Comment: This variant is a gross deletion of the genomic region encompassing exon(s) 5-7 of the NTRK1 gene. This deletion is out-of-frame, and is expected to create a premature termination codon and result in an absent or disrupted protein product. Loss-of-function variants in NTRK1 are known to be pathogenic (PMID: 10982191). A similar copy number variant has been observed in individual(s) with NTRK1-related conditions (PMID: 33748046). This variant is also known as g.6995_11999del. For these reasons, this variant has been classified as Pathogenic.

Literature cited by the submitters: PubMed 10982191; PubMed 33748046.

NC_000001.10:g.(?_156837886)_(156841557_?)del

Gene: NTRK1 (neurotrophic receptor tyrosine kinase 1; plus strand). Cytogenetic location: 1q23.1.
Variant type: Deletion.
Identifiers: ClinVar variation 1455199 (VCV001455199.7).